The following is an entry in ClinVar:

NM_000038.6(APC):c.6624A>G (p.Glu2208=)

Gene: APC (APC regulator of Wnt signaling pathway; plus strand). Cytogenetic location: 5q22.2.
Variant type: single nucleotide variant.
Coding change: c.6624A>G on transcript NM_000038.6 (MANE Select); coding-DNA position 6624, A replaced by G.
Protein change: p.Glu2208=; no amino-acid change (glutamic acid 2208 retained).
Molecular consequence: synonymous variant.
Genome position (GRCh38, 1-based): chr5:112,842,218, A>G. VCF-style: chr5-112842218-A-G. GRCh37 (hg19) VCF-style: chr5-112177915-A-G.
Other names: c.6624A>G, p.Glu2208= (NM_001127510.3, NM_001354895.2); c.6570A>G, p.Glu2190= (NM_001127511.3); c.6678A>G, p.Glu2226= (NM_001354896.2); c.6654A>G, p.Glu2218= (NM_001354897.2); c.6549A>G, p.Glu2183= (NM_001354898.2); c.6540A>G, p.Glu2180= (NM_001354899.2); c.6501A>G, p.Glu2167= (NM_001354900.2); c.6447A>G, p.Glu2149= (NM_001354901.2); and 5 more.
Identifiers: ClinVar variation 350420 (VCV000350420.20), dbSNP rs886059798, ClinGen allele CA10618785.

ClinVar aggregate classification (germline): Conflicting classifications of pathogenicity. Review status: criteria provided, conflicting classifications (1 of 4 stars). 5 submissions from 5 submitters: Uncertain significance (1); Benign (1); Likely benign (3). Last evaluated 2024-09-15.

Conditions:
Familial adenomatous polyposis 1 (FAP1). Also called: POLYPOSIS, ADENOMATOUS INTESTINAL; FAMILIAL ADENOMATOUS POLYPOSIS 1, ATTENUATED. Identifiers: MedGen C2713442, MONDO:0021056, OMIM 175100. Disease mechanism: loss of function.
APC-Associated Polyposis Disorders.
Hereditary cancer-predisposing syndrome. Also called: Neoplastic Syndromes, Hereditary; Tumor predisposition; Hereditary neoplastic syndrome; Hereditary Cancer Syndrome. Identifiers: Orphanet 140162, MedGen C0027672, MeSH D009386, MONDO:0015356.

Allele frequency attached by ClinVar (database versions not stated): gnomAD exomes below 0.00001; TOPMed below 0.00001; gnomAD 0.00001.
gnomAD v4.1: 3 of 1,613,766 alleles (0.00019%); highest among the groups gnomAD compares: Middle Eastern, 0.016%; no homozygotes.

Submissions (5):

Labcorp Genetics (formerly Invitae), Labcorp
Classification: Likely benign for Familial adenomatous polyposis 1. Last evaluated: 2024-09-15. Review status: criteria provided, single submitter. Criteria: Invitae Variant Classification Sherloc (09022015). Collection method: clinical testing. Allele origin: germline.

Myriad Genetics, Inc.
Classification: Benign for Familial adenomatous polyposis 1. Last evaluated: 2024-04-05. Review status: criteria provided, single submitter. Criteria: Myriad Autosomal Dominant, Autosomal Recessive and X-Linked Classification Criteria (2023). Collection method: clinical testing. Allele origin: unknown.
Comment: This variant is considered benign. This variant is a silent/synonymous amino acid change and it is not expected to impact splicing.

GeneDx
Classification: Likely benign. Last evaluated: 2019-05-30. Review status: criteria provided, single submitter. Criteria: GeneDx Variant Classification Process June 2021. Collection method: clinical testing. Allele origin: germline. Affected: yes.

Illumina Laboratory Services, Illumina
Classification: Uncertain significance for APC-Associated Polyposis Disorders. Last evaluated: 2018-01-12. Review status: criteria provided, single submitter. Criteria: ICSL Variant Classification Criteria 13 December 2019. Collection method: clinical testing. Allele origin: germline.

Ambry Genetics
Classification: Likely benign for Hereditary cancer-predisposing syndrome. Last evaluated: 2015-11-20. Review status: criteria provided, single submitter. Criteria: Ambry Variant Classification Scheme 2023. Collection method: clinical testing. Allele origin: germline.